The following is an entry in ClinVar:

NM_004329.3(BMPR1A):c.1372dup (p.Tyr458fs)

Gene: BMPR1A (bone morphogenetic protein receptor type 1A; plus strand). Cytogenetic location: 10q23.2.
Variant type: Duplication.
Coding change: c.1372dup on transcript NM_004329.3 (MANE Select); coding-DNA position 1372, one base duplicated (T; older notation c.1372dupT).
Protein change: p.Tyr458fs; shifts the reading frame from tyrosine 458.
Molecular consequence: frameshift variant.
Genome position (GRCh38, 1-based): chr10:86,923,405, T duplicated; the last of 2 consecutive T bases (chr10:86,923,404-86,923,405); duplicating either gives the same sequence. VCF-style (leftmost placement, unchanged base first): chr10-86923403-A-AT. GRCh37 (hg19) VCF-style: chr10-88683160-A-AT.
Other names: short protein forms Y458fs.
Identifiers: ClinVar variation 1435228 (VCV001435228.6), dbSNP rs2133620284, ClinGen allele CA2573145689.
Genomic context (GRCh38, chr10:86,923,403, plus strand): 5'-TTTTTGTGCCCATGTTTTCTCATTCCCTTATAGGGATCGTGGAAGAATACCAATTGCCAT[A>AT]TTACAACATGGTACCGAGTGATCCGTCATACGAAGATATGCGTGAGGTTGTGTGTGTCAA-3'

ClinVar aggregate classification (germline): Pathogenic (1 of 4 stars; one submission).

Conditions:
Juvenile polyposis syndrome (JPS). Identifiers: Orphanet 2929, MedGen C0345893, MONDO:0017380, OMIM 174900.

Submission:

Labcorp Genetics (formerly Invitae), Labcorp
Classification: Pathogenic for Juvenile polyposis syndrome. Last evaluated: 2021-06-15. Review status: criteria provided, single submitter. Criteria: Invitae Variant Classification Sherloc (09022015). Collection method: clinical testing. Allele origin: germline.
Comment: This sequence change creates a premature translational stop signal (p.Tyr458Leufs*7) in the BMPR1A gene. It is expected to result in an absent or disrupted protein product. Loss-of-function variants in BMPR1A are known to be pathogenic (PMID: 11536076, 12417513). For these reasons, this variant has been classified as Pathogenic. This variant has not been reported in the literature in individuals with BMPR1A-related conditions. This variant is not present in population databases (ExAC no frequency).

Literature cited by the submitters: PubMed 11536076; PubMed 12417513.